The following is an entry in ClinVar:

NM_001613.4(ACTA2):c.370-13dup

Gene: ACTA2 (actin alpha 2, smooth muscle; minus strand). Cytogenetic location: 10q23.31.
Variant type: Duplication.
Coding change: c.370-13dup on transcript NM_001613.4 (MANE Select); 13 bases into the intron before coding-DNA position 370, one base duplicated (G; older notation c.370-13dupG).
Molecular consequence: intron variant.
Genome position (GRCh38, 1-based): chr10:88,941,882, C duplicated on the plus strand (G on the coding strand, the reverse complement: ACTA2 is on the minus strand); the first of 2 consecutive C bases (chr10:88,941,882-88,941,883); duplicating either gives the same sequence. VCF-style (leftmost placement, unchanged base first): chr10-88941881-T-TC. GRCh37 (hg19) VCF-style: chr10-90701638-T-TC.
Other names: c.241-13dup (NM_001406467.1, NM_001406468.1, NM_001406469.1); c.370-13dup (NM_001320855.2, NM_001406462.1, NM_001406471.1 and 3 more transcripts); c.259-13dup (NM_001406466.1).
Identifiers: ClinVar variation 3071986 (VCV003071986.2), dbSNP rs2494543142, ClinGen allele CA2825001718.

ClinVar aggregate classification (germline): Uncertain significance. Review status: criteria provided, multiple submitters, no conflicts (2 of 4 stars). 2 submissions from 2 submitters: Uncertain significance (2). Last evaluated 2025-08-25.

Conditions:
Familial thoracic aortic aneurysm and aortic dissection (TAAD). Also called: Thoracic aortic aneurysms and dissections. Identifiers: Orphanet 91387, MedGen C4707243, MONDO:0019625.

Submissions (2):

Color Diagnostics, LLC DBA Color Health
Classification: Uncertain significance for Familial thoracic aortic aneurysm and aortic dissection. Last evaluated: 2025-08-25. Review status: criteria provided, single submitter. Criteria: ACMG Guidelines, 2015. Collection method: clinical testing. Allele origin: germline.
Comment: This variant causes a duplication of one nucleotide in intron 4 of the ACTA2 gene. To our knowledge, functional studies have not been reported for this variant. This variant has not been reported in individuals affected with ACTA2-related disorders in the literature. This variant has not been identified in the general population by the Genome Aggregation Database (gnomAD). The available evidence is insufficient to determine the role of this variant in disease conclusively. Therefore, this variant is classified as a Variant of Uncertain Significance.

All of Us Research Program, National Institutes of Health
Classification: Uncertain significance for Familial thoracic aortic aneurysm and aortic dissection. Last evaluated: 2023-06-26. Review status: criteria provided, single submitter. Criteria: ACMG Guidelines, 2015. Collection method: clinical testing. Allele origin: germline. Inheritance: Autosomal dominant inheritance. Observed: 1 variant allele, 1 heterozygote.
Comment: This variant causes a duplication of one nucleotide in intron 4 of the ACTA2 gene. To our knowledge, functional studies have not been reported for this variant. This variant has not been reported in individuals affected with ACTA2-related disorders in the literature. This variant has not been identified in the general population by the Genome Aggregation Database (gnomAD). The available evidence is insufficient to determine the role of this variant in disease conclusively. Therefore, this variant is classified as a Variant of Uncertain Significance.

This study involves interpretation of variants in research participants for the purpose of population health screening. Participant phenotype was not available at the time of variant classification. Additional details can be found in publication PMID: 35346344, PMCID: PMC8962531